The following is an entry in ClinVar:

NC_000023.11:g.(?_31657980)_(31836829_?)del

Gene: DMD (dystrophin; minus strand). Cytogenetic location: Xp21.1.
Variant type: Deletion.
Identifiers: ClinVar variation 830935 (VCV000830935.1).

ClinVar aggregate classification (germline): Pathogenic (1 of 4 stars; one submission).

Conditions:
Duchenne muscular dystrophy (DMD). Also called: Duchenne Muscular Dystrophy (DMD); MUSCULAR DYSTROPHY, PSEUDOHYPERTROPHIC PROGRESSIVE, DUCHENNE TYPE. Identifiers: Orphanet 98896, MedGen C0013264, MONDO:0010679, OMIM 310200.

Submission:

Labcorp Genetics (formerly Invitae), Labcorp
Classification: Pathogenic for Duchenne muscular dystrophy. Last evaluated: 2019-08-26. Review status: criteria provided, single submitter. Criteria: Invitae Variant Classification Sherloc (09022015). Collection method: clinical testing. Allele origin: germline.
Comment: This variant is an out-of-frame deletion of the genomic region encompassing exons 49-54 of the DMD gene. This creates a premature translational stop signal and is expected to result in an absent or disrupted protein product. Loss-of-function variants in DMD are known to be pathogenic. This particular variant has been reported in the literature in individuals affected with DMD-related muscular dystrophy (PMID: 16030524, 25482253). For these reasons, this variant has been classified as Pathogenic.

Literature cited by the submitters: PubMed 16030524; PubMed 25482253.